The following is an entry in ClinVar:

NM_001079866.2(BCS1L):c.183C>T (p.Ala61=)

Gene: BCS1L (BCS1 ubiquinol-cytochrome c reductase complex chaperone; plus strand). Cytogenetic location: 2q35.
Variant type: single nucleotide variant.
Coding change: c.183C>T on transcript NM_001079866.2 (MANE Select); coding-DNA position 183, C replaced by T.
Protein change: p.Ala61=; no amino-acid change (alanine 61 retained).
Molecular consequence: synonymous variant. On other transcripts: 5 prime UTR variant (5), non-coding transcript variant (1), intron variant (3).
Genome position (GRCh38, 1-based): chr2:218,661,170, C>T. VCF-style: chr2-218661170-C-T. GRCh37 (hg19) VCF-style: chr2-219525893-C-T.
Other names: c.183C>T, p.Ala61= (NM_001257342.2, NM_001257343.2, NM_001257344.2 and 10 more transcripts); c.-294C>T (NM_001371453.1, NM_001371454.1, NM_001371455.1 and 2 more transcripts); c.-40-236C>T (NM_001371451.1, NM_001318836.2); c.-41-589C>T (NM_001371452.1).
Identifiers: ClinVar variation 1132003 (VCV001132003.15), dbSNP rs779908221, ClinGen allele CA2109616.

ClinVar aggregate classification (germline): Likely benign. Review status: criteria provided, multiple submitters, no conflicts (2 of 4 stars). 2 submissions from 2 submitters: Likely benign (2). Last evaluated 2025-11-01.

Allele frequency attached by ClinVar (database versions not stated): TOPMed below 0.00001; gnomAD 0.00001; gnomAD exomes 0.00001; ExAC 0.00002.
gnomAD v4.1: 8 of 1,614,088 alleles (0.0005%); highest among the groups gnomAD compares: East Asian, 0.018%; no homozygotes.

Submissions (2):

CeGaT Center for Human Genetics Tuebingen
Classification: Likely benign. Last evaluated: 2025-11-01. Review status: criteria provided, single submitter. Criteria: CeGaT Center For Human Genetics Tuebingen Variant Classification Criteria Version 2. Collection method: clinical testing. Allele origin: germline. Affected: yes. Observed: 1 variant allele.
Comment: BCS1L: BP4, BP7

Labcorp Genetics (formerly Invitae), Labcorp
Classification: Likely benign. Last evaluated: 2023-02-04. Review status: criteria provided, single submitter. Criteria: Invitae Variant Classification Sherloc (09022015). Collection method: clinical testing. Allele origin: germline.